The following is an entry in ClinVar:

NM_014704.4(CEP104):c.485A>G (p.Asn162Ser)

Gene: CEP104 (centrosomal protein 104; minus strand). Cytogenetic location: 1p36.32.
Variant type: single nucleotide variant.
Coding change: c.485A>G on transcript NM_014704.4 (MANE Select); coding-DNA position 485, A replaced by G.
Protein change: p.Asn162Ser; replaces asparagine 162 with serine.
Molecular consequence: missense variant.
Genome position (GRCh38, 1-based): chr1:3,845,293, T>C on the plus strand (A>G on the coding strand, the complement: CEP104 is on the minus strand). VCF-style: chr1-3845293-T-C. GRCh37 (hg19) VCF-style: chr1-3761857-T-C.
Other names: short protein forms N162S.
Identifiers: ClinVar variation 647427 (VCV000647427.9), dbSNP rs867268929, ClinGen allele CA17091740.

ClinVar aggregate classification (germline): Uncertain significance. Review status: criteria provided, multiple submitters, no conflicts (2 of 4 stars). 3 submissions from 3 submitters: Uncertain significance (3). Last evaluated 2025-12-15.

Conditions:
Joubert syndrome 25 (JBTS25). Identifiers: Orphanet 475, MedGen C4084842, MONDO:0014770, OMIM 616781.
Inborn genetic diseases. Identifiers: MedGen C0950123, MeSH D030342.

Allele frequency attached by ClinVar (database versions not stated): gnomAD 0.00001; gnomAD exomes 0.00002.
gnomAD v4.1: 27 of 1,601,284 alleles (0.0017%); highest among the groups gnomAD compares: Middle Eastern, 0.38%; no homozygotes.

Submissions (3):

Ambry Genetics
Classification: Uncertain significance for Inborn genetic diseases. Last evaluated: 2025-12-15. Review status: criteria provided, single submitter. Criteria: Ambry Variant Classification Scheme 2023. Collection method: clinical testing. Allele origin: germline.

Labcorp Genetics (formerly Invitae), Labcorp
Classification: Uncertain significance for Joubert syndrome 25. Last evaluated: 2024-05-28. Review status: criteria provided, single submitter. Criteria: Invitae Variant Classification Sherloc (09022015). Collection method: clinical testing. Allele origin: germline.
Comment: This sequence change replaces asparagine, which is neutral and polar, with serine, which is neutral and polar, at codon 162 of the CEP104 protein (p.Asn162Ser). This variant is not present in population databases (gnomAD no frequency). This variant has not been reported in the literature in individuals affected with CEP104-related conditions. ClinVar contains an entry for this variant (Variation ID: 647427). An algorithm developed to predict the effect of missense changes on protein structure and function (PolyPhen-2) suggests that this variant is likely to be tolerated. In summary, the available evidence is currently insufficient to determine the role of this variant in disease. Therefore, it has been classified as a Variant of Uncertain Significance.

Dubai Health Genomic Medicine Center, Dubai Health
Classification: Uncertain significance for Joubert syndrome 25. Last evaluated: 2020-09-13. Review status: criteria provided, single submitter. Criteria: ACMG Guidelines, 2015. Collection method: clinical testing. Allele origin: germline. Affected: yes.